The following is an entry in ClinVar:

NM_005070.4(SLC4A3):c.3235C>T (p.Arg1079Trp)

Gene: SLC4A3 (solute carrier family 4 member 3; plus strand). Cytogenetic location: 2q35.
Variant type: single nucleotide variant.
Coding change: c.3235C>T on transcript NM_005070.4 (MANE Select); coding-DNA position 3235, C replaced by T.
Protein change: p.Arg1079Trp; replaces arginine 1079 with tryptophan.
Molecular consequence: missense variant. On other transcripts: non-coding transcript variant (1).
Genome position (GRCh38, 1-based): chr2:219,639,693, C>T. VCF-style: chr2-219639693-C-T. GRCh37 (hg19) VCF-style: chr2-220504415-C-T.
Other names: c.3316C>T, p.Arg1106Trp (NM_001326559.2, NM_201574.3); c.3235C>T, p.Arg1079Trp (NM_001438863.1); c.2641C>T, p.Arg881Trp (NM_001438864.1); short protein forms R1079W, R1106W, R881W.
Identifiers: ClinVar variation 4536275 (VCV004536275.1).

ClinVar aggregate classification (germline): Uncertain significance (1 of 4 stars; one submission).

gnomAD v4.1: 2 of 1,611,218 alleles (0.00012%); highest among the groups gnomAD compares: South Asian, 0.0011%; no homozygotes.

Submission:

GeneDx
Classification: Uncertain significance. Last evaluated: 2023-06-08. Review status: criteria provided, single submitter. Criteria: GeneDx Variant Classification Process June 2021. Collection method: clinical testing. Allele origin: germline. Affected: yes.
Comment: Not observed at significant frequency in large population cohorts (gnomAD); In silico analysis supports that this missense variant has a deleterious effect on protein structure/function; Has not been previously published as pathogenic or benign to our knowledge; Variants in candidate genes are classified as variants of uncertain significance in accordance with ACMG guidelines (Richards et al., 2015)